The following is an entry in ClinVar:

NM_020944.3(GBA2):c.958C>T (p.Arg320Trp)

Gene: GBA2 (glucosylceramidase beta 2; minus strand). Cytogenetic location: 9p13.3.
Variant type: single nucleotide variant.
Coding change: c.958C>T on transcript NM_020944.3 (MANE Select); coding-DNA position 958, C replaced by T.
Protein change: p.Arg320Trp; replaces arginine 320 with tryptophan.
Molecular consequence: missense variant.
Genome position (GRCh38, 1-based): chr9:35,740,893, G>A on the plus strand (C>T on the coding strand, the complement: GBA2 is on the minus strand). VCF-style: chr9-35740893-G-A. GRCh37 (hg19) VCF-style: chr9-35740890-G-A.
Other names: c.958C>T, p.Arg320Trp (NM_001330660.2); short protein forms R320W.
Identifiers: ClinVar variation 1935530 (VCV001935530.5), dbSNP rs774957816, ClinGen allele CA5050575.
Genomic context (GRCh38, chr9:35,740,893, plus strand): 5'-GTGCAGCCACAGCCATCGTGTAGGGGTTTGGAAGGGTTGGATGATGCAGGAGCAGCCCCC[G>A]GACAGTTTCCCCGCTACGCTCCAGACAGAAGGGCTCATTCCACAAACCCCCTGGGGCATC-3'
Protein context (NP_065995.1, residues 310-330): FCLERSGETV[Arg320Trp]GLLLHHPTLP

ClinVar aggregate classification (germline): Uncertain significance (1 of 4 stars; one submission).

Conditions:
Spastic paraplegia. Identifiers: MedGen C0037772, HP:0001258.

Allele frequency attached by ClinVar (database versions not stated): ExAC 0.00001; TOPMed 0.00001.
gnomAD v4.1: 9 of 1,613,908 alleles (0.00056%); highest among the groups gnomAD compares: East Asian, 0.0089%; no homozygotes.

Submission:

Labcorp Genetics (formerly Invitae), Labcorp
Classification: Uncertain significance for Spastic paraplegia. Last evaluated: 2025-05-19. Review status: criteria provided, single submitter. Criteria: Invitae Variant Classification Sherloc (09022015). Collection method: clinical testing. Allele origin: germline.
Comment: This sequence change replaces arginine, which is basic and polar, with tryptophan, which is neutral and slightly polar, at codon 320 of the GBA2 protein (p.Arg320Trp). This variant is present in population databases (rs774957816, gnomAD 0.006%). This variant has not been reported in the literature in individuals affected with GBA2-related conditions. ClinVar contains an entry for this variant (Variation ID: 1935530). Invitae Evidence Modeling of protein sequence and biophysical properties (such as structural, functional, and spatial information, amino acid conservation, physicochemical variation, residue mobility, and thermodynamic stability) indicates that this missense variant is not expected to disrupt GBA2 protein function with a negative predictive value of 80%. In summary, the available evidence is currently insufficient to determine the role of this variant in disease. Therefore, it has been classified as a Variant of Uncertain Significance.